The following is an entry in ClinVar:

NM_002485.5(NBN):c.28C>G (p.Pro10Ala)

Gene: NBN (nibrin; minus strand). Cytogenetic location: 8q21.3.
Variant type: single nucleotide variant.
Coding change: c.28C>G on transcript NM_002485.5 (MANE Select); coding-DNA position 28, C replaced by G.
Protein change: p.Pro10Ala; replaces proline 10 with alanine.
Molecular consequence: missense variant. On other transcripts: 5 prime UTR variant (1).
Genome position (GRCh38, 1-based): chr8:89,984,534, G>C on the plus strand (C>G on the coding strand, the complement: NBN is on the minus strand). VCF-style: chr8-89984534-G-C. GRCh37 (hg19) VCF-style: chr8-90996762-G-C.
Other names: c.-269C>G (NM_001024688.3); short protein forms P10A.
Identifiers: ClinVar variation 1474296 (VCV001474296.8), dbSNP rs758228844, ClinGen allele CA371664152.

ClinVar aggregate classification (germline): Uncertain significance (1 of 4 stars; one submission).

Conditions:
Microcephaly, normal intelligence and immunodeficiency (NBS). Also called: Nijmegen breakage syndrome; Microcephaly with normal intelligence immunodeficiency and lymphoreticular malignancies; Nonsyndromal microcephaly autosomal recessive with normal intelligence; Seemanova syndrome 2; IMMUNODEFICIENCY, MICROCEPHALY, AND CHROMOSOMAL INSTABILITY; SEEMANOVA SYNDROME II. Identifiers: Orphanet 647, MedGen C0398791, MONDO:0009623, OMIM 251260.

Submission:

Labcorp Genetics (formerly Invitae), Labcorp
Classification: Uncertain significance for Microcephaly, normal intelligence and immunodeficiency. Last evaluated: 2020-12-16. Review status: criteria provided, single submitter. Criteria: Invitae Variant Classification Sherloc (09022015). Collection method: clinical testing. Allele origin: germline.
Comment: This variant is not present in population databases (ExAC no frequency). This sequence change replaces proline with alanine at codon 10 of the NBN protein (p.Pro10Ala). The proline residue is weakly conserved and there is a small physicochemical difference between proline and alanine. This variant has not been reported in the literature in individuals with NBN-related conditions. Algorithms developed to predict the effect of missense changes on protein structure and function output the following: SIFT: "Tolerated"; PolyPhen-2: "Benign"; Align-GVGD: "Class C0". The alanine amino acid residue is found in multiple mammalian species, suggesting that this missense change does not adversely affect protein function. These predictions have not been confirmed by published functional studies and their clinical significance is uncertain. In summary, the available evidence is currently insufficient to determine the role of this variant in disease. Therefore, it has been classified as a Variant of Uncertain Significance.